The following is an entry in ClinVar:

ClinVar aggregate classification (germline): Uncertain significance. Review status: criteria provided, multiple submitters, no conflicts (2 of 4 stars). 2 submissions from 2 submitters: Uncertain significance (2). Last evaluated 2025-02-05.

Conditions:
Dilated cardiomyopathy 1G (CMD1G). Identifiers: Orphanet 154, MedGen C1858763, MONDO:0011400, OMIM 604145.
Autosomal recessive limb-girdle muscular dystrophy type 2J (LGMDR10). Also called: Limb-girdle muscular dystrophy, type 2J; MUSCULAR DYSTROPHY, LIMB-GIRDLE, AUTOSOMAL RECESSIVE 10. Identifiers: Orphanet 140922, MedGen C1837342, MONDO:0012127, OMIM 608807.

gnomAD v4.1: 18 of 1,612,862 alleles (0.0011%); highest among the groups gnomAD compares: South Asian, 0.0033%; no homozygotes.

Submissions (2):

Labcorp Genetics (formerly Invitae), Labcorp
Classification: Uncertain significance for Dilated cardiomyopathy 1G; Autosomal recessive limb-girdle muscular dystrophy type 2J. Last evaluated: 2025-02-05. Review status: criteria provided, single submitter. Criteria: Invitae Variant Classification Sherloc (09022015). Collection method: clinical testing. Allele origin: germline.
Comment: This sequence change replaces glutamic acid, which is acidic and polar, with lysine, which is basic and polar, at codon 16938 of the TTN protein (p.Glu16938Lys). This variant is present in population databases (rs72677250, gnomAD 0.003%). This variant has not been reported in the literature in individuals affected with TTN-related conditions. Experimental studies and prediction algorithms are not available or were not evaluated, and the functional significance of this variant is currently unknown. This variant is located in the A band of TTN (PMID: 25589632). Variants in this region may be relevant for cardiac or neuromuscular disorders (PMID: 25589632, 23975875). In summary, the available evidence is currently insufficient to determine the role of this variant in disease. Therefore, it has been classified as a Variant of Uncertain Significance.

GeneDx
Classification: Uncertain significance. Last evaluated: 2024-05-02. Review status: criteria provided, single submitter. Criteria: GeneDx Variant Classification Process June 2021. Collection method: clinical testing. Allele origin: germline. Affected: yes.
Comment: Not observed at significant frequency in large population cohorts (gnomAD); Missense variant in a gene in which most reported pathogenic variants are truncating/loss of function; Has not been previously published as pathogenic or benign to our knowledge

Literature cited by the submitters: PubMed 25589632 (cited by Labcorp Genetics (formerly Invitae), Labcorp); PubMed 23975875 (cited by Labcorp Genetics (formerly Invitae), Labcorp).

NM_001267550.2(TTN):c.50812G>A (p.Glu16938Lys)

Genes: TTN (titin; minus strand), TTN-AS1 (TTN antisense RNA 1; plus strand). Cytogenetic location: 2q31.2.
Variant type: single nucleotide variant.
Coding change: c.50812G>A on transcript NM_001267550.2 (MANE Select); coding-DNA position 50812, G replaced by A.
Protein change: p.Glu16938Lys; replaces glutamic acid 16938 with lysine.
Molecular consequence: missense variant.
Genome position (GRCh38, 1-based): chr2:178,611,417, C>T on the plus strand (G>A on the coding strand, the complement: TTN is on the minus strand). VCF-style: chr2-178611417-C-T. GRCh37 (hg19) VCF-style: chr2-179476144-C-T.
Other names: c.45889G>A, p.Glu15297Lys (NM_001256850.1); c.23617G>A, p.Glu7873Lys (NM_003319.4); c.43108G>A, p.Glu14370Lys (NM_133378.4); c.23992G>A, p.Glu7998Lys (NM_133432.3); c.24193G>A, p.Glu8065Lys (NM_133437.4); short protein forms E14370K, E15297K, E16938K, E7873K, E7998K, E8065K.
Identifiers: ClinVar variation 3375945 (VCV003375945.2).